The following is an entry in ClinVar:

ClinVar aggregate classification (germline): Uncertain significance. Review status: criteria provided, multiple submitters, no conflicts (2 of 4 stars). 2 submissions from 2 submitters: Uncertain significance (2). Last evaluated 2023-09-04.

Allele frequency attached by ClinVar (database versions not stated): gnomAD exomes below 0.00001.
gnomAD v4.1: 2 of 1,611,804 alleles (0.00012%); highest among the groups gnomAD compares: Non-Finnish European, 0.00017%; no homozygotes.

Submissions (2):

Blueprint Genetics
Classification: Uncertain significance. Last evaluated: 2023-09-04. Review status: criteria provided, single submitter. Criteria: ACMG Guidelines, 2015. Collection method: clinical testing. Allele origin: germline.

GeneDx
Classification: Uncertain significance. Last evaluated: 2012-06-22. Review status: criteria provided, single submitter. Criteria: GeneDx Variant Classification (06012015). Collection method: clinical testing. Allele origin: germline. Affected: yes.
Comment: p.Ala819Ser (GCG>TCG): c.2455 G>T in exon 9 of the KCNH2 gene (NM_172056.1). The Ala819Ser variant in the KCNH2 gene has not been reported as a disease-causing mutation nor as a benign polymorphism, to our knowledge. Ala819Ser results in a non-conservative amino acid substitution of a non-polar Alanine with a neutral, polar Serine. The NHLBI ESP Exome Variant Server reports Ala819Ser was not observed in approximately 5,000 samples from individuals of European and African American backgrounds, indicating it is not a common benign variant in these populations. However, this missense change occurs at a residue that is specific only to an alternative transcript (variant 2) of the KCNH2 gene, where no disease-causing mutations have been reported to date. In addition, as the expression pattern of variant 2 of KCNH2 is unknown, it is not possible at this time to predict if the presence of this variant is clinically significant. In summary, the clinical significance of Ala819Ser in the KCNH2 gene is currently unknown. The variant is found in LQT panel(s).

NM_000238.4(KCNH2):c.2398+57G>T

Gene: KCNH2 (potassium voltage-gated channel subfamily H member 2; minus strand). Cytogenetic location: 7q36.1.
Variant type: single nucleotide variant.
Coding change: c.2398+57G>T on transcript NM_000238.4 (MANE Select); 57 bases into the intron after coding-DNA position 2398, G replaced by T.
Molecular consequence: intron variant. On other transcripts: missense variant (5).
Genome position (GRCh38, 1-based): chr7:150,950,111, C>A on the plus strand (G>T on the coding strand, the complement: KCNH2 is on the minus strand). VCF-style: chr7-150950111-C-A. GRCh37 (hg19) VCF-style: chr7-150647199-C-A.
Other names: p.A819S:GCG>TCG; c.1435G>T, p.Ala479Ser (NM_001204798.2); c.2278G>T, p.Ala760Ser (NM_001406755.1); c.2167G>T, p.Ala723Ser (NM_001406756.1); c.2155G>T, p.Ala719Ser (NM_001406757.1); c.2455G>T, p.Ala819Ser (NM_172056.3); c.1378+57G>T (NM_172057.3); short protein forms A819S, A479S, A723S, A760S, A719S.
Identifiers: ClinVar variation 200448 (VCV000200448.5), dbSNP rs779355544, ClinGen allele CA006653.